The following is an entry in ClinVar:

NM_000222.3(KIT):c.1281dup (p.Cys428fs)

Gene: KIT (KIT proto-oncogene, receptor tyrosine kinase; plus strand). Cytogenetic location: 4q12.
Variant type: Duplication.
Coding change: c.1281dup on transcript NM_000222.3 (MANE Select); coding-DNA position 1281, one base duplicated (A; older notation c.1281dupA).
Protein change: p.Cys428fs; shifts the reading frame from cysteine 428.
Molecular consequence: frameshift variant.
Genome position (GRCh38, 1-based): chr4:54,723,633, A duplicated; the last of 2 consecutive A bases (chr4:54,723,632-54,723,633); duplicating either gives the same sequence. VCF-style (leftmost placement, unchanged base first): chr4-54723631-C-CA. GRCh37 (hg19) VCF-style: chr4-55589797-C-CA.
Other names: c.1281dup, p.Cys428fs (NM_001093772.2, NM_001385285.1, NM_001385286.1); c.1284dup, p.Cys429fs (NM_001385284.1, NM_001385288.1, NM_001385290.1 and 1 more transcripts); short protein forms C428fs, C429fs.
Identifiers: ClinVar variation 3698398 (VCV003698398.2).

ClinVar aggregate classification (germline): Pathogenic (1 of 4 stars; one submission).

Conditions:
Gastrointestinal stromal tumor. Also called: Gastrointestinal stromal tumor, somatic; Gastrointestinal stroma tumor. Identifiers: Orphanet 44890, MedGen C0238198, MeSH D046152, MONDO:0011719, OMIM 606764, HP:0100723.

Submission:

Labcorp Genetics (formerly Invitae), Labcorp
Classification: Pathogenic for Gastrointestinal stromal tumor. Last evaluated: 2025-08-09. Review status: criteria provided, single submitter. Criteria: Invitae Variant Classification Sherloc (09022015). Collection method: clinical testing. Allele origin: germline.
Comment: This sequence change creates a premature translational stop signal (p.Cys428Metfs*20) in the KIT gene. It is expected to result in an absent or disrupted protein product. Loss-of-function variants in KIT are known to be pathogenic (PMID: 15194144). This variant is not present in population databases (gnomAD no frequency). This variant has not been reported in the literature in individuals affected with KIT-related conditions. ClinVar contains an entry for this variant (Variation ID: 3698398). For these reasons, this variant has been classified as Pathogenic.

Literature cited by the submitters: PubMed 15194144.